The following is an entry in ClinVar:

NM_000260.4(MYO7A):c.5324T>C (p.Ile1775Thr)

Gene: MYO7A (myosin VIIA; plus strand). Cytogenetic location: 11q13.5.
Variant type: single nucleotide variant.
Coding change: c.5324T>C on transcript NM_000260.4 (MANE Select); coding-DNA position 5324, T replaced by C.
Protein change: p.Ile1775Thr; replaces isoleucine 1775 with threonine.
Molecular consequence: missense variant.
Genome position (GRCh38, 1-based): chr11:77,203,215, T>C. VCF-style: chr11-77203215-T-C. GRCh37 (hg19) VCF-style: chr11-76914260-T-C.
Other names: c.5210T>C, p.Ile1737Thr (NM_001127180.2); c.5177T>C, p.Ile1726Thr (NM_001369365.1); short protein forms I1775T, I1737T, I1726T.
Identifiers: ClinVar variation 197023 (VCV000197023.29), dbSNP rs115123584, ClinGen allele CA202663.

ClinVar aggregate classification (germline): Benign/Likely benign. Review status: criteria provided, multiple submitters, no conflicts (2 of 4 stars). 10 submissions from 10 submitters: Benign (1); Likely benign (6). 3 of the submissions do not count toward it. Last evaluated 2026-01-26.

Conditions:
MYO7A-related disorder. Also called: MYO7A-related disorders.

Allele frequency attached by ClinVar (database versions not stated): ExAC 0.00097; ESP Exome Variant Server 0.00183; 1000 Genomes Project 30x 0.00219; 1000 Genomes Project 0.00220; TOPMed 0.00271; gnomAD 0.00279 and 0.00303.
gnomAD v4.1: 860 of 1,552,962 alleles (0.055%); highest among the groups gnomAD compares: African/African-American, 0.95%; 8 homozygotes.

Submissions (10):

Labcorp Genetics (formerly Invitae), Labcorp
Classification: Likely benign. Last evaluated: 2026-01-26. Review status: criteria provided, single submitter. Criteria: Invitae Variant Classification Sherloc (09022015). Collection method: clinical testing. Allele origin: germline.

Blueprint Genetics
Classification: Likely benign. Last evaluated: 2024-11-13. Review status: criteria provided, single submitter. Criteria: ACMG Guidelines, 2015. Collection method: clinical testing. Allele origin: germline.

GeneDx
Classification: Likely benign. Last evaluated: 2020-10-26. Review status: criteria provided, single submitter. Criteria: GeneDx Variant Classification Process June 2021. Collection method: clinical testing. Allele origin: germline. Affected: yes.
Comment: This variant is associated with the following publications: (PMID: 19375528)

Laboratory for Molecular Medicine, Mass General Brigham Personalized Medicine
Classification: Benign. Last evaluated: 2017-11-27. Review status: criteria provided, single submitter. Criteria: LMM Criteria. Collection method: clinical testing. Allele origin: germline. Observed: 2 variant alleles.
Comment: Ile1775Thr in Exon 38 of MYO7A: This variant is not expected to have clinical si gnificance because it has been identified in 0.8% (143/16558) of African chromos omes by the Genome Aggregation Database (gnomAD, g; dbSNP rs115123584).

Center for Pediatric Genomic Medicine, Children's Mercy Hospital and Clinics
Classification: Likely benign. Last evaluated: 2016-07-22. Review status: criteria provided, single submitter. Criteria: ACMG Guidelines, 2015. Collection method: clinical testing. Allele origin: germline.
ClinVar note: Converted during submission from Likely Benign to Likely benign.

Eurofins Ntd Llc (ga)
Classification: Likely benign. Last evaluated: 2015-06-04. Review status: criteria provided, single submitter. Criteria: EGL Classification Definitions 2015. Collection method: clinical testing. Allele origin: germline. Observed: 1 variant allele, 1 heterozygote.

Breakthrough Genomics
Classification: Likely benign. Review status: criteria provided, single submitter. Criteria: ACMG Guidelines, 2015. Collection method: not provided. Allele origin: germline. Inheritance: Autosomal recessive inheritance. Affected: yes.

PreventionGenetics, part of Exact Sciences
Classification: Likely benign for MYO7A-related condition. Last evaluated: 2019-02-26. Review status: no assertion criteria provided. Collection method: clinical testing. Allele origin: germline. Not counted in ClinVar's aggregate classification.
Comment: This variant is classified as likely benign based on ACMG/AMP sequence variant interpretation guidelines (Richards et al. 2015 PMID: 25741868, with internal and published modifications).

Clinical Genetics DNA and cytogenetics Diagnostics Lab, Erasmus MC, Erasmus Medical Center
Classification: Likely benign. Review status: no assertion criteria provided. Collection method: clinical testing. Allele origin: germline. Affected: yes. Study: VKGL Data-share Consensus. Not counted in ClinVar's aggregate classification.

Clinical Genetics, Academic Medical Center
Classification: Likely benign. Review status: no assertion criteria provided. Collection method: clinical testing. Allele origin: germline. Affected: yes. Study: VKGL Data-share Consensus. Not counted in ClinVar's aggregate classification.